The following is an entry in ClinVar:

ClinVar aggregate classification (germline): Uncertain significance. Review status: criteria provided, multiple submitters, no conflicts (2 of 4 stars). 2 submissions from 2 submitters: Uncertain significance (2). Last evaluated 2025-08-04.

Allele frequency attached by ClinVar (database versions not stated): gnomAD exomes below 0.00001; ExAC 0.00004; gnomAD 0.00011; TOPMed 0.00012; 1000 Genomes Project 0.00060; 1000 Genomes Project 30x 0.00062.
gnomAD v4.1: 25 of 1,551,940 alleles (0.0016%); highest among the groups gnomAD compares: African/African-American, 0.029%; no homozygotes.

Submissions (2):

Ambry Genetics
Classification: Uncertain significance. Last evaluated: 2025-08-04. Review status: criteria provided, single submitter. Criteria: Ambry Variant Classification Scheme 2023. Collection method: clinical testing. Allele origin: germline.

GeneDx
Classification: Uncertain significance. Last evaluated: 2022-11-03. Review status: criteria provided, single submitter. Criteria: GeneDx Variant Classification Process June 2021. Collection method: clinical testing. Allele origin: germline. Affected: yes.
Comment: In silico analysis supports that this missense variant has a deleterious effect on protein structure/function; Has not been previously published as pathogenic or benign to our knowledge

NM_138775.3(ALKBH8):c.1859G>T (p.Ser620Ile)

Gene: ALKBH8 (alkB homolog 8, tRNA methyltransferase; minus strand). Cytogenetic location: 11q22.3.
Variant type: single nucleotide variant.
Coding change: c.1859G>T on transcript NM_138775.3 (MANE Select); coding-DNA position 1859, G replaced by T.
Protein change: p.Ser620Ile; replaces serine 620 with isoleucine.
Molecular consequence: missense variant. On other transcripts: non-coding transcript variant (6).
Genome position (GRCh38, 1-based): chr11:107,504,794, C>A on the plus strand (G>T on the coding strand, the complement: ALKBH8 is on the minus strand). VCF-style: chr11-107504794-C-A. GRCh37 (hg19) VCF-style: chr11-107375520-C-A.
Other names: c.1859G>T, p.Ser620Ile (NM_001301010.3); c.1709G>T, p.Ser570Ile (NM_001378133.1); short protein forms S620I, S570I.
Identifiers: ClinVar variation 2458792 (VCV002458792.4), dbSNP rs571576862, ClinGen allele CA6260994.
Genomic context (GRCh38, chr11:107,504,794, plus strand): 5'-CTGCAGGCACCTTCCAGTTCTCCCTCACGGAACACATGGTAGTAACGATGAAACACAGGA[C>A]TTGGGTCCTGGGATCCTATGGGACCAAATGGCTCAACAGGTTTGCCTTTATCAGGATTTC-3'
Protein context (NP_620130.2, residues 610-630): PFGPIGSQDP[Ser620Ile]PVFHRYYHVF